The following is an entry in ClinVar:

ClinVar aggregate classification (germline): Uncertain significance (1 of 4 stars; one submission).

Submission:

Dasa
Classification: Uncertain significance. Last evaluated: 2025-02-20. Review status: criteria provided, single submitter. Criteria: DASA Assertion Criteria. Collection method: clinical testing. Allele origin: germline.
Comment: NM_004618.5(TOP3A):c.599_600insA (p.Ser201Glufs*20) is a frameshift variant in TOP3A predicted to alter the reading frame and introduce a premature termination codon. This variant is absent from population databases. The currently available literature and clinical evidence are not sufficient to establish a definitive association between this variant and the reported condition. Therefore, this variant is classified as a variant of uncertain significance.

NM_004618.5(TOP3A):c.599_600insA (p.Ser201fs)

Gene: TOP3A (DNA topoisomerase III alpha; minus strand). Cytogenetic location: 17p11.2.
Variant type: Insertion.
Coding change: c.599_600insA on transcript NM_004618.5 (MANE Select); coding-DNA positions 599 to 600, A inserted.
Protein change: p.Ser201fs; shifts the reading frame from serine 201.
Molecular consequence: frameshift variant.
Genome position: GRCh38 VCF-style: chr17-18302623-C-CT. GRCh37 (hg19) VCF-style: chr17-18205937-C-CT.
Other names: c.314_315insA, p.Ser106fs (NM_001320759.2); short protein forms S106fs, S201fs.
Identifiers: ClinVar variation 4883933 (VCV004883933.2).